The following is an entry in ClinVar:

ClinVar aggregate classification (germline): Benign/Likely benign. Review status: criteria provided, multiple submitters, no conflicts (2 of 4 stars). 3 submissions from 3 submitters: Benign (2); Likely benign (1). Last evaluated 2025-12-27.

Conditions:
Dilated cardiomyopathy 1JJ (CMD1JJ). Identifiers: Orphanet 154, MedGen C3808935, MONDO:0014095, OMIM 615235.

Allele frequency attached by ClinVar (database versions not stated): TOPMed 0.00053; ESP Exome Variant Server 0.00077; gnomAD exomes 0.00008; ExAC 0.00012; gnomAD 0.00046 and 0.00049.
gnomAD v4.1: 131 of 1,609,636 alleles (0.0081%); highest among the groups gnomAD compares: African/African-American, 0.15%; no homozygotes.

Submissions (3):

Labcorp Genetics (formerly Invitae), Labcorp
Classification: Benign for Dilated cardiomyopathy 1JJ. Last evaluated: 2025-12-27. Review status: criteria provided, single submitter. Criteria: Invitae Variant Classification Sherloc (09022015). Collection method: clinical testing. Allele origin: germline.

GeneDx
Classification: Benign. Last evaluated: 2015-02-12. Review status: criteria provided, single submitter. Criteria: GeneDx Variant Classification (06012015). Collection method: clinical testing. Allele origin: germline. Affected: yes.
Comment: This variant is considered likely benign or benign based on one or more of the following criteria: it is a conservative change, it occurs at a poorly conserved position in the protein, it is predicted to be benign by multiple in silico algorithms, and/or has population frequency not consistent with disease.

Laboratory for Molecular Medicine, Mass General Brigham Personalized Medicine
Classification: Likely benign. Last evaluated: 2012-03-19. Review status: criteria provided, single submitter. Criteria: LMM Criteria. Collection method: clinical testing. Allele origin: germline. Observed: 1 variant allele.
Comment: 4644+15G>A in intron 33 of LAMA4: This variant is not expected to have clinical significance because it is not located within the splice consensus sequence. It has been identified in 0.2% (8/3738) of African American chromosomes from a broa d population by the NHLBI Exome Sequencing Project (/EVS; rs377415750). 4644+15G>A in intron 33 of LAMA4 (rs377415750, allele frequ ency = 0.2%, 8/3738) **

NM_001105206.3(LAMA4):c.4665+15G>A

Gene: LAMA4 (laminin subunit alpha 4; minus strand). Cytogenetic location: 6q21.
Variant type: single nucleotide variant.
Coding change: c.4665+15G>A on transcript NM_001105206.3 (MANE Select); 15 bases into the intron after coding-DNA position 4665, G replaced by A.
Molecular consequence: intron variant.
Genome position (GRCh38, 1-based): chr6:112,120,268, C>T on the plus strand (G>A on the coding strand, the complement: LAMA4 is on the minus strand). VCF-style: chr6-112120268-C-T. GRCh37 (hg19) VCF-style: chr6-112441471-C-T.
Other names: c.4644+15G>A (NM_002290.5, NM_001105207.3).
Identifiers: ClinVar variation 178048 (VCV000178048.12), dbSNP rs377415750, ClinGen allele CA295681.